The following is an entry in ClinVar:

NM_001369.3(DNAH5):c.7651dup (p.Tyr2551fs)

Gene: DNAH5 (dynein axonemal heavy chain 5; minus strand). Cytogenetic location: 5p15.2.
Variant type: Duplication.
Coding change: c.7651dup on transcript NM_001369.3 (MANE Select); coding-DNA position 7651, one base duplicated (T; older notation c.7651dupT).
Protein change: p.Tyr2551fs; shifts the reading frame from tyrosine 2551.
Molecular consequence: frameshift variant.
Genome position (GRCh38, 1-based): chr5:13,809,145, A duplicated on the plus strand (T on the coding strand, the reverse complement: DNAH5 is on the minus strand). VCF-style (leftmost placement, unchanged base first): chr5-13809144-T-TA. GRCh37 (hg19) VCF-style: chr5-13809253-T-TA.
Other names: short protein forms Y2551fs.
Identifiers: ClinVar variation 2992603 (VCV002992603.3), dbSNP rs1340018682, ClinGen allele CA557873828.

ClinVar aggregate classification (germline): Pathogenic (1 of 4 stars; one submission).

Conditions:
Primary ciliary dyskinesia. Also called: Ciliary dyskinesia. Identifiers: Orphanet 244, MedGen C0008780, MONDO:0016575, HP:0012265.

Allele frequency attached by ClinVar (database versions not stated): gnomAD exomes below 0.00001.

Submission:

Labcorp Genetics (formerly Invitae), Labcorp
Classification: Pathogenic for Primary ciliary dyskinesia. Last evaluated: 2023-07-25. Review status: criteria provided, single submitter. Criteria: Invitae Variant Classification Sherloc (09022015). Collection method: clinical testing. Allele origin: germline.
Comment: This variant has not been reported in the literature in individuals affected with DNAH5-related conditions. This variant is present in population databases (no rsID available, gnomAD 0.003%). This sequence change creates a premature translational stop signal (p.Tyr2551Leufs*4) in the DNAH5 gene. It is expected to result in an absent or disrupted protein product. Loss-of-function variants in DNAH5 are known to be pathogenic (PMID: 11788826, 16627867). For these reasons, this variant has been classified as Pathogenic.

Literature cited by the submitters: PubMed 11788826; PubMed 16627867.